The following is an entry in ClinVar:

NM_015409.5(EP400):c.8184GCA[15] (p.Gln2748dup)

Gene: EP400 (E1A binding protein p400; plus strand). Cytogenetic location: 12q24.33.
Variant type: Microsatellite.
Coding change: c.8184GCA[15] on transcript NM_015409.5 (MANE Select); 15 copies in a row of the 3-base unit GCA starting at c.8184; the reference has 14 copies in a row; one copy, 3 bases duplicated.
Protein change: p.Gln2748dup; duplicates glutamine 2748.
Molecular consequence: inframe insertion.
Genome position (GRCh38, 1-based): chr12:132,062,590-132,062,592, GCA duplicated; duplicating any 3 consecutive bases within chr12:132,062,549-132,062,592 gives the same sequence; the position shown is the placement nearest the transcript's 3' end. VCF-style (leftmost placement, unchanged base first): chr12-132062548-A-ACAG. GRCh37 (hg19) VCF-style: chr12-132547093-A-ACAG.
Other names: c.8223_8225dupGCA (NM_015409.4).
Identifiers: ClinVar variation 769393 (VCV000769393.6), dbSNP rs528214697, ClinGen allele CA246197038.

ClinVar aggregate classification (germline): Benign. Review status: criteria provided, single submitter (1 of 4 stars). 2 submissions from 2 submitters: Benign (1). 1 of the submissions does not count toward it. Last evaluated 2019-12-31.

Conditions:
EP400-related disorder. Also called: EP400-related condition.

Submissions (2):

Labcorp Genetics (formerly Invitae), Labcorp
Classification: Benign. Last evaluated: 2019-12-31. Review status: criteria provided, single submitter. Criteria: Invitae Variant Classification Sherloc (09022015). Collection method: clinical testing. Allele origin: germline.

PreventionGenetics, part of Exact Sciences
Classification: Benign for EP400-related condition. Last evaluated: 2019-10-31. Review status: no assertion criteria provided. Collection method: clinical testing. Allele origin: germline. Not counted in ClinVar's aggregate classification.
Comment: This variant is classified as benign based on ACMG/AMP sequence variant interpretation guidelines (Richards et al. 2015 PMID: 25741868, with internal and published modifications).